The following is an entry in ClinVar:

ClinVar aggregate classification (germline): Uncertain significance. Review status: criteria provided, multiple submitters, no conflicts (2 of 4 stars). 3 submissions from 3 submitters: Uncertain significance (3). Last evaluated 2024-05-21.

Conditions:
Cardiomyopathy (CMYO). Also called: Cardiomyopathies. Identifiers: Orphanet 167848, MedGen C0878544, MONDO:0004994, HP:0001638. Inheritance: Various modes of inheritance.
Catecholaminergic polymorphic ventricular tachycardia 1. Also called: VENTRICULAR TACHYCARDIA, CATECHOLAMINERGIC POLYMORPHIC, 1, WITH OR WITHOUT ATRIAL DYSFUNCTION AND/OR DILATED CARDIOMYOPATHY; RYR2-Related Catecholaminergic Polymorphic Ventricular Tachycardia; VENTRICULAR TACHYCARDIA, STRESS-INDUCED POLYMORPHIC 1. Identifiers: Orphanet 3286, MedGen C1631597, MONDO:0011484, OMIM 604772.

Allele frequency attached by ClinVar (database versions not stated): gnomAD 0.00001; gnomAD exomes 0.00001; TOPMed 0.00001.

Submissions (3):

Labcorp Genetics (formerly Invitae), Labcorp
Classification: Uncertain significance for Catecholaminergic polymorphic ventricular tachycardia 1. Last evaluated: 2024-05-21. Review status: criteria provided, single submitter. Criteria: Invitae Variant Classification Sherloc (09022015). Collection method: clinical testing. Allele origin: germline.
Comment: This sequence change replaces lysine, which is basic and polar, with threonine, which is neutral and polar, at codon 987 of the RYR2 protein (p.Lys987Thr). This variant is not present in population databases (gnomAD no frequency). This variant has not been reported in the literature in individuals affected with RYR2-related conditions. ClinVar contains an entry for this variant (Variation ID: 923273). Advanced modeling of protein sequence and biophysical properties (such as structural, functional, and spatial information, amino acid conservation, physicochemical variation, residue mobility, and thermodynamic stability) performed at Invitae indicates that this missense variant is not expected to disrupt RYR2 protein function with a negative predictive value of 95%. In summary, the available evidence is currently insufficient to determine the role of this variant in disease. Therefore, it has been classified as a Variant of Uncertain Significance.

Color Diagnostics, LLC DBA Color Health
Classification: Uncertain significance for Cardiomyopathy. Last evaluated: 2023-12-04. Review status: criteria provided, single submitter. Criteria: ACMG Guidelines, 2015. Collection method: clinical testing. Allele origin: germline.
Comment: Variant of Uncertain Significance due to insufficient evidence: This missense variant replaces lysine with threonine at codon 987 of the RYR2 protein. Computational prediction tools and conservation analyses are inconclusive regarding the impact of this variant on the protein function. Computational splicing tools suggest that this variant may not impact RNA splicing. To our knowledge, functional assays have not been performed for this variant nor has this variant been reported in individuals affected with cardiovascular disorders in the literature. This variant is rare in the general population and has been identified in 0/277264 chromosomes by the Genome Aggregation Database (gnomAD). Available evidence is insufficient to determine the role of this variant in disease conclusively.

GeneDx
Classification: Uncertain significance. Last evaluated: 2020-10-21. Review status: criteria provided, single submitter. Criteria: GeneDx Variant Classification Process June 2021. Collection method: clinical testing. Allele origin: germline. Affected: yes.
Comment: Has not been previously published as pathogenic or benign to our knowledge; Reported in ClinVar as a variant of uncertain significance (ClinVar Variant ID# 923273; Landrum et al., 2016); Not observed in large population cohorts (Lek et al., 2016); In silico analysis supports that this missense variant has a deleterious effect on protein structure/function; Not located in one of the three hot-spot regions of the RYR2 gene, where the majority of pathogenic missense variants occur (Medeiros-Domingo et al., 2009)

NM_001035.3(RYR2):c.2960A>C (p.Lys987Thr)

Gene: RYR2 (ryanodine receptor 2; plus strand). Cytogenetic location: 1q43.
Variant type: single nucleotide variant.
Coding change: c.2960A>C on transcript NM_001035.3 (MANE Select); coding-DNA position 2960, A replaced by C.
Protein change: p.Lys987Thr; replaces lysine 987 with threonine.
Molecular consequence: missense variant.
Genome position (GRCh38, 1-based): chr1:237,548,484, A>C. VCF-style: chr1-237548484-A-C. GRCh37 (hg19) VCF-style: chr1-237711784-A-C.
Other names: c.2960A>C (NM_001035.2); short protein forms K987T.
Identifiers: ClinVar variation 923273 (VCV000923273.10), dbSNP rs1294571823, ClinGen allele CA345393535.